The following is an entry in ClinVar:

ClinVar aggregate classification (germline): Likely benign. Review status: criteria provided, multiple submitters, no conflicts (2 of 4 stars). 3 submissions from 3 submitters: Likely benign (3). Last evaluated 2024-06-09.

Conditions:
RYR1-related disorder. Also called: RYR1-related disorders; RYR1-related condition. Identifiers: MedGen CN239331.
Malignant hyperthermia, susceptibility to, 1 (MHS1). Also called: Anesthesia related hyperthermia; Malignant hyperpyrexia; Fulminating hyperpyrexia; Pharmacogenic myopathy; RYR1-Related Malignant Hyperthermia Susceptibility; Malignant hyperthermia suceptibility 1. Identifiers: Orphanet 423, MedGen C2930980, MONDO:0007783, OMIM 145600.

Allele frequency attached by ClinVar (database versions not stated): ExAC 0.00001.
gnomAD v4.1: 1 of 1,614,048 alleles (0.000062%); highest among the groups gnomAD compares: Non-Finnish European, 0.000085%; no homozygotes.

Submissions (3):

All of Us Research Program, National Institutes of Health
Classification: Likely benign for Malignant hyperthermia, susceptibility to, 1. Last evaluated: 2024-06-09. Review status: criteria provided, single submitter. Criteria: ACMG Guidelines, 2015. Collection method: clinical testing. Allele origin: germline. Inheritance: Autosomal dominant inheritance. Observed: 1 variant allele, 1 heterozygote.
Comment: This study involves interpretation of variants in research participants for the purpose of population health screening. Participant phenotype was not available at the time of variant classification. Additional details can be found in publication PMID: 35346344, PMCID: PMC8962531

Color Diagnostics, LLC DBA Color Health
Classification: Likely benign for Malignant hyperthermia, susceptibility to, 1. Last evaluated: 2024-06-04. Review status: criteria provided, single submitter. Criteria: ACMG Guidelines, 2015. Collection method: clinical testing. Allele origin: germline.

Labcorp Genetics (formerly Invitae), Labcorp
Classification: Likely benign for RYR1-related disorder. Last evaluated: 2023-07-15. Review status: criteria provided, single submitter. Criteria: Invitae Variant Classification Sherloc (09022015). Collection method: clinical testing. Allele origin: germline.

NM_000540.3(RYR1):c.14040G>A (p.Arg4680=)

Gene: RYR1 (ryanodine receptor 1; plus strand). Cytogenetic location: 19q13.2.
Variant type: single nucleotide variant.
Coding change: c.14040G>A on transcript NM_000540.3 (MANE Select); coding-DNA position 14040, G replaced by A.
Protein change: p.Arg4680=; no amino-acid change (arginine 4680 retained).
Molecular consequence: synonymous variant.
Genome position (GRCh38, 1-based): chr19:38,573,218, G>A. VCF-style: chr19-38573218-G-A. GRCh37 (hg19) VCF-style: chr19-39063858-G-A.
Other names: c.14025G>A, p.Arg4675= (NM_001042723.2).
Identifiers: ClinVar variation 3023535 (VCV003023535.5), dbSNP rs753385586, ClinGen allele CA060779.